The following is an entry in ClinVar:

ClinVar aggregate classification (germline): Uncertain significance (1 of 4 stars; one submission).

gnomAD v4.1: 2 of 1,613,974 alleles (0.00012%); highest among the groups gnomAD compares: Non-Finnish European, 0.00017%; no homozygotes.

Submission:

CeGaT Center for Human Genetics Tuebingen
Classification: Uncertain significance. Last evaluated: 2024-08-01. Review status: criteria provided, single submitter. Criteria: CeGaT Center For Human Genetics Tuebingen Variant Classification Criteria Version 2. Collection method: clinical testing. Allele origin: germline. Affected: yes. Observed: 1 variant allele.
Comment: FLG: PM2, BP4

NM_002016.2(FLG):c.3332C>A (p.Ser1111Tyr)

Genes: CCDST (cervical cancer associated DHX9 suppressive transcript; plus strand), FLG (filaggrin; minus strand). Cytogenetic location: 1q21.3.
Variant type: single nucleotide variant.
Coding change: c.3332C>A on transcript NM_002016.2 (MANE Select); coding-DNA position 3332, C replaced by A.
Protein change: p.Ser1111Tyr; replaces serine 1111 with tyrosine.
Molecular consequence: missense variant.
Genome position (GRCh38, 1-based): chr1:152,311,554, G>T on the plus strand (C>A on the coding strand, the complement: FLG is on the minus strand). VCF-style: chr1-152311554-G-T. GRCh37 (hg19) VCF-style: chr1-152284030-G-T.
Other names: short protein forms S1111Y.
Identifiers: ClinVar variation 3341617 (VCV003341617.16).